The following is an entry in ClinVar:

NM_000075.4(CDK4):c.633-8C>T

Genes: CDK4 (cyclin dependent kinase 4; minus strand), TSPAN31 (tetraspanin 31; plus strand). Cytogenetic location: 12q14.1.
Variant type: single nucleotide variant.
Coding change: c.633-8C>T on transcript NM_000075.4 (MANE Select); 8 bases into the intron before coding-DNA position 633, C replaced by T.
Molecular consequence: intron variant. On other transcripts: 3 prime UTR variant (3).
Genome position (GRCh38, 1-based): chr12:57,749,512, G>A on the plus strand (C>T on the coding strand, the complement: CDK4 is on the minus strand). VCF-style: chr12-57749512-G-A. GRCh37 (hg19) VCF-style: chr12-58143295-G-A.
Other names: c.*2222G>A (NM_001330168.2, NM_001330169.2, NM_005981.5).
Identifiers: ClinVar variation 463476 (VCV000463476.20), dbSNP rs536249985, ClinGen allele CA6657729.
Genomic context (GRCh38, chr12:57,749,512, plus strand): 5'-ACTCAAAGATTTTGCCCAACTGGTCGGCTTCAGAGTTTCCACAGAAGAGAGGCCTAAGGT[G>A]AGAAGGGATATAAGGTAGCAGTCATTTTCAAAGATATCTTAGTTGAATGGTTACTGCTTA-3'

ClinVar aggregate classification (germline): Benign/Likely benign. Review status: criteria provided, multiple submitters, no conflicts (2 of 4 stars). 6 submissions from 6 submitters: Benign (2); Likely benign (3). 1 of the submissions does not count toward it. Last evaluated 2025-12-10.

Conditions:
Melanoma, cutaneous malignant, susceptibility to, 3. Also called: Cutaneous malignant melanoma 3. Identifiers: Orphanet 618, MedGen C1836892, MONDO:0012183, OMIM 609048.
CDK4-related disorder. Also called: CDK4-related condition.
Familial melanoma. Also called: Hereditary melanoma; Hereditary cutaneous melanoma. Identifiers: Orphanet 618, MedGen C1512419, MONDO:0018961.

Allele frequency attached by ClinVar (database versions not stated): gnomAD below 0.00001 and 0.00001; ExAC 0.00010; gnomAD exomes 0.00010; 1000 Genomes Project 30x 0.00016; 1000 Genomes Project 0.00020.
gnomAD v4.1: 72 of 1,613,872 alleles (0.0045%); highest among the groups gnomAD compares: South Asian, 0.075%; 2 homozygotes.

Submissions (6):

Labcorp Genetics (formerly Invitae), Labcorp
Classification: Likely benign for Familial melanoma. Last evaluated: 2025-12-10. Review status: criteria provided, single submitter. Criteria: Invitae Variant Classification Sherloc (09022015). Collection method: clinical testing. Allele origin: germline.

KCCC/NGS Laboratory, Kuwait Cancer Control Center
Classification: Benign for Melanoma, cutaneous malignant, susceptibility to, 3. Last evaluated: 2025-02-01. Review status: criteria provided, single submitter. Criteria: ACMG Guidelines, 2015. Collection method: clinical testing. Allele origin: germline. Affected: no.

Myriad Genetics, Inc.
Classification: Likely benign for Melanoma, cutaneous malignant, susceptibility to, 3. Last evaluated: 2024-09-26. Review status: criteria provided, single submitter. Criteria: Myriad Autosomal Dominant, Autosomal Recessive and X-Linked Classification Criteria (2023). Collection method: clinical testing. Allele origin: unknown.
Comment: This variant is considered likely benign. This variant is intronic and is not expected to impact mRNA splicing.

Illumina Laboratory Services, Illumina
Classification: Benign for Melanoma, cutaneous malignant, susceptibility to, 3. Last evaluated: 2018-01-13. Review status: criteria provided, single submitter. Criteria: ICSL Variant Classification Criteria 13 December 2019. Collection method: clinical testing. Allele origin: germline.
Comment: This variant was observed in the ICSL laboratory as part of a predisposition screen in an ostensibly healthy population. It had not been previously curated by ICSL or reported in the Human Gene Mutation Database (HGMD: prior to June 1st, 2018), and was therefore a candidate for classification through an automated scoring system. Utilizing variant allele frequency, disease prevalence and penetrance estimates, and inheritance mode, an automated score was calculated to assess if this variant is too frequent to cause the disease. Based on the score and internal cut-off values, a variant classified as benign is not then subjected to further curation. The score for this variant resulted in a classification of benign for this disease.

Breakthrough Genomics
Classification: Likely benign. Review status: criteria provided, single submitter. Criteria: ACMG Guidelines, 2015. Collection method: not provided. Allele origin: germline. Inheritance: Autosomal dominant inheritance. Affected: yes.

PreventionGenetics, part of Exact Sciences
Classification: Uncertain significance for CDK4-related condition. Last evaluated: 2024-09-27. Review status: no assertion criteria provided. Collection method: clinical testing. Allele origin: germline. Not counted in ClinVar's aggregate classification.
Comment: The CDK4 c.633-8C>T variant is predicted to interfere with splicing. To our knowledge, this variant has not been reported in the literature. This variant is reported in 0.082% of alleles in individuals of South Asian descent in gnomAD. This variant has conflicting interpretations in ClinVar ranging from uncertain significance to benign. At this time, the clinical significance of this variant is uncertain due to the absence of conclusive functional and genetic evidence.